The following is an entry in ClinVar:

ClinVar aggregate classification (germline): Uncertain significance (1 of 4 stars; one submission).

Conditions:
Hereditary pancreatitis (PCTT). Also called: PRSS1-Related Hereditary Pancreatitis; Hereditary chronic pancreatitis. Identifiers: Orphanet 676, MedGen C0238339, MONDO:0008185, OMIM 167800.

Submission:

Ambry Genetics
Classification: Uncertain significance for Hereditary pancreatitis. Last evaluated: 2026-03-10. Review status: criteria provided, single submitter. Criteria: Ambry Variant Classification Scheme 2023. Collection method: clinical testing. Allele origin: germline.
Comment: The p.K347N variant (also known as c.1041G>C), located in coding exon 9 of the CPA1 gene, results from a G to C substitution at nucleotide position 1041. The lysine at codon 347 is replaced by asparagine, an amino acid with similar properties. This amino acid position is conserved. In addition, this alteration is predicted to be tolerated by in silico analysis. Based on the available evidence, the clinical significance of this variant remains unclear.

NM_001868.4(CPA1):c.1041G>C (p.Lys347Asn)

Gene: CPA1 (carboxypeptidase A1; plus strand). Cytogenetic location: 7q32.2.
Variant type: single nucleotide variant.
Coding change: c.1041G>C on transcript NM_001868.4 (MANE Select); coding-DNA position 1041, G replaced by C.
Protein change: p.Lys347Asn; replaces lysine 347 with asparagine.
Molecular consequence: missense variant.
Genome position (GRCh38, 1-based): chr7:130,385,892, G>C. VCF-style: chr7-130385892-G-C. GRCh37 (hg19) VCF-style: chr7-130025733-G-C.
Other names: short protein forms K347N.
Identifiers: ClinVar variation 3269106 (VCV003269106.2).